The following is an entry in ClinVar:

NM_001355436.2(SPTB):c.204G>A (p.Leu68=)

Gene: SPTB (spectrin beta, erythrocytic; minus strand). Cytogenetic location: 14q23.3.
Variant type: single nucleotide variant.
Coding change: c.204G>A on transcript NM_001355436.2 (MANE Select); coding-DNA position 204, G replaced by A.
Protein change: p.Leu68=; no amino-acid change (leucine 68 retained).
Molecular consequence: synonymous variant.
Genome position (GRCh38, 1-based): chr14:64,805,035, C>T on the plus strand (G>A on the coding strand, the complement: SPTB is on the minus strand). VCF-style: chr14-64805035-C-T. GRCh37 (hg19) VCF-style: chr14-65271753-C-T.
Other names: c.204G>A (NM_001024858.2); c.204G>A, p.Leu68= (NM_001024858.4, NM_001355437.2).
Identifiers: ClinVar variation 313783 (VCV000313783.21), dbSNP rs145077630, ClinGen allele CA7231517.
Genomic context (GRCh38, chr14:64,805,035, plus strand): 5'-GAGCATGCGCCCATCCCGCAGGTCCTTGTAGAGATCGGTGATGCGGCAGGACACTCGAGC[C>T]AGGTGCGAGTTCACCCATTTCGTGAAGGTCTTTTTCTGAACAACTTCCCGCTCATCTAGG-3'
Protein context (NP_001342365.1, residues 58-78): KTFTKWVNSH[Leu68=]ARVSCRITDL

ClinVar aggregate classification (germline): Benign/Likely benign. Review status: criteria provided, multiple submitters, no conflicts (2 of 4 stars). 4 submissions from 4 submitters: Benign (2); Likely benign (1). 1 of the submissions does not count toward it. Last evaluated 2025-08-22.

Conditions:
SPTB-related disorder. Also called: SPTB-Related Disorders; SPTB-related condition.

Allele frequency attached by ClinVar (database versions not stated): TOPMed 0.00083; 1000 Genomes Project 30x 0.00094; 1000 Genomes Project 0.00100; gnomAD 0.00105 and 0.00107; ESP Exome Variant Server 0.00115; gnomAD exomes 0.00123 and 0.00147; ExAC 0.00135.
gnomAD v4.1: 2,311 of 1,614,150 alleles (0.14%); highest among the groups gnomAD compares: Non-Finnish European, 0.17%; 4 homozygotes.

Submissions (4):

Labcorp Genetics (formerly Invitae), Labcorp
Classification: Benign. Last evaluated: 2025-08-22. Review status: criteria provided, single submitter. Criteria: Invitae Variant Classification Sherloc (09022015). Collection method: clinical testing. Allele origin: germline.

Blueprint Genetics
Classification: Likely benign. Last evaluated: 2024-11-20. Review status: criteria provided, single submitter. Criteria: ACMG Guidelines, 2015. Collection method: clinical testing. Allele origin: germline.

ARUP Laboratories, Molecular Genetics and Genomics, ARUP Laboratories
Classification: Benign. Last evaluated: 2024-07-25. Review status: criteria provided, single submitter. Criteria: ARUP Molecular Germline Variant Investigation Process 2024. Collection method: clinical testing. Allele origin: germline.

PreventionGenetics, part of Exact Sciences
Classification: Likely benign for SPTB-related condition. Last evaluated: 2024-07-09. Review status: no assertion criteria provided. Collection method: clinical testing. Allele origin: germline. Not counted in ClinVar's aggregate classification.
Comment: This variant is classified as likely benign based on ACMG/AMP sequence variant interpretation guidelines (Richards et al. 2015 PMID: 25741868, with internal and published modifications).